The following is an entry in ClinVar:

NM_003924.4(PHOX2B):c.253C>G (p.Leu85Val)

Gene: PHOX2B (paired like homeobox 2B; minus strand). Cytogenetic location: 4p13.
Variant type: single nucleotide variant.
Coding change: c.253C>G on transcript NM_003924.4 (MANE Select); coding-DNA position 253, C replaced by G.
Protein change: p.Leu85Val; replaces leucine 85 with valine.
Molecular consequence: missense variant.
Genome position (GRCh38, 1-based): chr4:41,747,525, G>C on the plus strand (C>G on the coding strand, the complement: PHOX2B is on the minus strand). VCF-style: chr4-41747525-G-C. GRCh37 (hg19) VCF-style: chr4-41749542-G-C.
Other names: short protein forms L85V.
Identifiers: ClinVar variation 4666026 (VCV004666026.1).

ClinVar aggregate classification (germline): Uncertain significance (1 of 4 stars; one submission).

Conditions:
Hereditary cancer-predisposing syndrome. Also called: Neoplastic Syndromes, Hereditary; Tumor predisposition; Hereditary Cancer Syndrome; Hereditary neoplastic syndrome. Identifiers: Orphanet 140162, MedGen C0027672, MeSH D009386, MONDO:0015356.

Submission:

Ambry Genetics
Classification: Uncertain significance for Hereditary cancer-predisposing syndrome. Last evaluated: 2025-11-02. Review status: criteria provided, single submitter. Criteria: Ambry Variant Classification Scheme 2023. Collection method: clinical testing. Allele origin: germline.
Comment: The p.L85V variant (also known as c.253C>G), located in coding exon 2 of the PHOX2B gene, results from a C to G substitution at nucleotide position 253. The leucine at codon 85 is replaced by valine, an amino acid with highly similar properties. This amino acid position is conserved. In addition, the in silico prediction for this alteration is inconclusive. Based on the available evidence, the clinical significance of this variant remains unclear.